The following is an entry in ClinVar:

NM_022114.4(PRDM16):c.3352G>A (p.Val1118Met)

Gene: PRDM16 (PR/SET domain 16; plus strand). Cytogenetic location: 1p36.32.
Variant type: single nucleotide variant.
Coding change: c.3352G>A on transcript NM_022114.4 (MANE Select); coding-DNA position 3352, G replaced by A.
Protein change: p.Val1118Met; replaces valine 1118 with methionine.
Molecular consequence: missense variant.
Genome position (GRCh38, 1-based): chr1:3,430,939, G>A. VCF-style: chr1-3430939-G-A. GRCh37 (hg19) VCF-style: chr1-3347503-G-A.
Other names: c.3352G>A, p.Val1118Met (NM_199454.3); short protein forms V1118M.
Identifiers: ClinVar variation 546487 (VCV000546487.14), dbSNP rs542279737, ClinGen allele CA544841.
Genomic context (GRCh38, chr1:3,430,939, plus strand): 5'-ATGCAGATCGTGGACGGCAGTGCCCAGTGTCCAGGCCTAGCCAGTGAGAAGCAGGAGGAC[G>A]TGGAGGAGGAGGACGACGATGACCTGGAGGAGGACGATGAGGACAGCCTGGCCGGGAAGT-3'
Protein context (NP_071397.3, residues 1108-1128): PGLASEKQED[Val1118Met]EEEDDDDLEE

ClinVar aggregate classification (germline): Conflicting classifications of pathogenicity. Review status: criteria provided, conflicting classifications (1 of 4 stars). 4 submissions from 4 submitters: Uncertain significance (3); Likely benign (1). Last evaluated 2025-01-11.

Conditions:
Left ventricular noncompaction 8 (LVNC8). Identifiers: Orphanet 154, Orphanet 54260, MedGen C3809288, MONDO:0014152, OMIM 615373.

Allele frequency attached by ClinVar (database versions not stated): gnomAD 0.00006; TOPMed 0.00008; 1000 Genomes Project 0.00020; 1000 Genomes Project 30x 0.00031.
gnomAD v4.1: 43 of 1,614,078 alleles (0.0027%); highest among the groups gnomAD compares: African/African-American, 0.035%; no homozygotes.

Submissions (4):

Labcorp Genetics (formerly Invitae), Labcorp
Classification: Uncertain significance for Left ventricular noncompaction 8. Last evaluated: 2025-01-11. Review status: criteria provided, single submitter. Criteria: Invitae Variant Classification Sherloc (09022015). Collection method: clinical testing. Allele origin: germline.
Comment: This sequence change replaces valine, which is neutral and non-polar, with methionine, which is neutral and non-polar, at codon 1118 of the PRDM16 protein (p.Val1118Met). This variant is present in population databases (rs542279737, gnomAD 0.03%). This variant has not been reported in the literature in individuals affected with PRDM16-related conditions. ClinVar contains an entry for this variant (Variation ID: 546487). An algorithm developed to predict the effect of missense changes on protein structure and function (PolyPhen-2) suggests that this variant¬†is likely to be tolerated. In summary, the available evidence is currently insufficient to determine the role of this variant in disease. Therefore, it has been classified as a Variant of Uncertain Significance.

Blueprint Genetics
Classification: Likely benign. Last evaluated: 2024-01-23. Review status: criteria provided, single submitter. Criteria: ACMG Guidelines, 2015. Collection method: clinical testing. Allele origin: germline.

GeneDx
Classification: Uncertain significance. Last evaluated: 2020-08-26. Review status: criteria provided, single submitter. Criteria: GeneDx Variant Classification Process June 2021. Collection method: clinical testing. Allele origin: germline. Affected: yes.
Comment: Has not been previously published as pathogenic or benign to our knowledge; Reported in ClinVar as a variant of uncertain significance (ClinVar Variant ID# 546487; Landrum et al., 2016); In silico analysis, which includes protein predictors and evolutionary conservation, supports that this variant does not alter protein structure/function

New York Genome Center
Classification: Uncertain significance for Left ventricular noncompaction 8. Last evaluated: 2019-07-11. Review status: criteria provided, single submitter. Criteria: NYGC Assertion Criteria 2020. Collection method: clinical testing. Allele origin: germline. Observed: 1 heterozygote. Study: CSER-NYCKidSeq.